The following is an entry in ClinVar:

NC_000007.14:g.156789395_156789396del

Genes: LMBR1 (limb development membrane protein 1; minus strand), SHH (sonic hedgehog signaling molecule; minus strand). Cytogenetic location: 7q36.3.
Variant type: Deletion.
Molecular consequence: intron variant (on NM_022458.4).
Genome position: GRCh38 VCF-style: chr7-156789394-CTT-C. GRCh37 (hg19) VCF-style: chr7-156582088-CTT-C.
Other names: c.360+6993_360+6994del (NM_001363412.2); c.144+6993_144+6994del (NM_001350954.2); c.423+6993_423+6994del (NM_001363410.2, NM_022458.4, NM_001363409.2 and 1 more transcripts); c.-112+6993_-112+6994del (NM_001350958.2, NM_001350956.2, NM_001350955.2 and 1 more transcripts); c.54+6993_54+6994del (NM_001350957.2, NM_001363411.2).
Identifiers: ClinVar variation 2869831 (VCV002869831.3), dbSNP rs1023465093, ClinGen allele CA169823264.

ClinVar aggregate classification (germline): Uncertain significance (1 of 4 stars; one submission).

Conditions:
Holoprosencephaly 3 (HPE3). Identifiers: Orphanet 2162, MedGen C1840529, MONDO:0007733, OMIM 142945.

Allele frequency attached by ClinVar (database versions not stated): 1000 Genomes Project 30x 0.00062; TOPMed 0.00008; gnomAD 0.00009.

Submission:

Labcorp Genetics (formerly Invitae), Labcorp
Classification: Uncertain significance for Holoprosencephaly 3. Last evaluated: 2025-10-23. Review status: criteria provided, single submitter. Criteria: Invitae Variant Classification Sherloc (09022015). Collection method: clinical testing. Allele origin: germline.
Comment: This variant occurs in a non-coding region of the SHH gene. It does not change the encoded amino acid sequence of the SHH protein. This variant is present in population databases (no rsID available, gnomAD 0.03%). This variant has not been reported in the literature in individuals affected with SHH-related conditions. Experimental studies and prediction algorithms are not available or were not evaluated, and the functional significance of this variant is currently unknown. In summary, the available evidence is currently insufficient to determine the role of this variant in disease. Therefore, it has been classified as a Variant of Uncertain Significance.